The following is an entry in ClinVar:

NM_032119.4(ADGRV1):c.3001_3011del (p.Asp1001fs)

Gene: ADGRV1 (adhesion G protein-coupled receptor V1; plus strand). Cytogenetic location: 5q14.3.
Variant type: Deletion.
Coding change: c.3001_3011del on transcript NM_032119.4 (MANE Select); coding-DNA positions 3001 to 3011, 11 bases deleted (GATGACCCCAT).
Protein change: p.Asp1001fs; shifts the reading frame from aspartic acid 1001.
Molecular consequence: frameshift variant. On other transcripts: non-coding transcript variant (1).
Genome position (GRCh38, 1-based): chr5:90,646,070-90,646,080, GATGACCCCAT deleted; deleting any 11 consecutive bases within chr5:90,646,068-90,646,080 gives the same sequence; the c. name uses the placement nearest the transcript's 3' end. VCF-style (leftmost placement, unchanged base first): chr5-90646067-AATGATGACCCC-A. GRCh37 (hg19) VCF-style: chr5-89941884-AATGATGACCCC-A.
Other names: short protein forms D1001fs.
Identifiers: ClinVar variation 2701092 (VCV002701092.3), dbSNP rs2532013279, ClinGen allele CA2697546289.
Genomic context (GRCh38, chr5:90,646,067, plus strand): 5'-AATGGCACTGGAGGAGCTAAAGTGGGAAATAGAACAACTGCAACTCTGAGGATTAGAAGA[AATGATGACCCC>A]ATTTATTTTGCAGGTGGTATTGCTGTCTTATTTGAATGAGTTTACATATTTCTTAAATAG-3'

ClinVar aggregate classification (germline): Pathogenic (1 of 4 stars; one submission).

Submission:

Labcorp Genetics (formerly Invitae), Labcorp
Classification: Pathogenic. Last evaluated: 2023-12-05. Review status: criteria provided, single submitter. Criteria: Invitae Variant Classification Sherloc (09022015). Collection method: clinical testing. Allele origin: germline.
Comment: This sequence change creates a premature translational stop signal (p.Asp1001Leufs*14) in the ADGRV1 gene. It is expected to result in an absent or disrupted protein product. Loss-of-function variants in ADGRV1 are known to be pathogenic (PMID: 19357117, 22135276, 22147658, 26226137, 30718709, 31047384, 32467589). This variant is not present in population databases (gnomAD no frequency). This variant has not been reported in the literature in individuals affected with ADGRV1-related conditions. Algorithms developed to predict the effect of sequence changes on RNA splicing suggest that this variant may disrupt the consensus splice site. For these reasons, this variant has been classified as Pathogenic.

Literature cited by the submitters: PubMed 19357117; PubMed 22135276; PubMed 22147658; PubMed 26226137; PubMed 30718709; PubMed 31047384; PubMed 32467589.